The following is an entry in ClinVar:

NM_078470.6(COX15):c.281_282del (p.Glu94fs)

Gene: COX15 (cytochrome c oxidase assembly factor COX15; minus strand). Cytogenetic location: 10q24.2.
Variant type: Microsatellite.
Coding change: c.281_282del on transcript NM_078470.6 (MANE Select); coding-DNA positions 281 to 282, 2 bases deleted (AG; older notation c.281_282delAG).
Protein change: p.Glu94fs; shifts the reading frame from glutamic acid 94.
Molecular consequence: frameshift variant. On other transcripts: 5 prime UTR variant (1), non-coding transcript variant (1).
Genome position (GRCh38, 1-based): chr10:99,727,554-99,727,555, CT deleted on the plus strand (AG on the coding strand, the reverse complement: COX15 is on the minus strand); deleting any 2 consecutive bases within chr10:99,727,554-99,727,557 gives the same sequence; the c. name uses the placement nearest the transcript's 3' end. VCF-style (leftmost placement, unchanged base first): chr10-99727553-ACT-A. GRCh37 (hg19) VCF-style: chr10-101487310-ACT-A.
Other names: c.281_282del, p.Glu94fs (NM_001320974.2, NM_001320975.2, NM_001372024.1 and 5 more transcripts); c.-176AG[1] (NM_001320976.2); short protein forms E94fs.
Identifiers: ClinVar variation 429754 (VCV000429754.5), dbSNP rs748468371, ClinGen allele CA5642304.

ClinVar aggregate classification (germline): Pathogenic. Review status: criteria provided, multiple submitters, no conflicts (2 of 4 stars). 2 submissions from 2 submitters: Pathogenic (2). Last evaluated 2024-03-19.

Submissions (2):

Labcorp Genetics (formerly Invitae), Labcorp
Classification: Pathogenic. Last evaluated: 2024-03-19. Review status: criteria provided, single submitter. Criteria: Invitae Variant Classification Sherloc (09022015). Collection method: clinical testing. Allele origin: germline.
Comment: This sequence change creates a premature translational stop signal (p.Glu94Valfs*37) in the COX15 gene. It is expected to result in an absent or disrupted protein product. Loss-of-function variants in COX15 are known to be pathogenic (PMID: 15863660, 21412973). This variant is not present in population databases (gnomAD no frequency). This variant has not been reported in the literature in individuals affected with COX15-related conditions. For these reasons, this variant has been classified as Pathogenic.

GeneDx
Classification: Pathogenic. Last evaluated: 2015-09-17. Review status: criteria provided, single submitter. Criteria: GeneDx Variant Classification (06012015). Collection method: clinical testing. Allele origin: germline. Affected: yes.
Comment: The c.281_282delAG deletion in the COX15 gene causes a frameshift starting with codon Glutamic Acid 94, changes this amino acid to a Valine residue and creates a premature Stop codon at position 37 of the new reading frame, denoted p.Glu94ValfsX37. This variant is predicted to cause loss of normal protein function either through protein truncation or nonsense-mediated mRNA decay. Although this deletion has not been previously reported to our knowledge, it is expected to be a pathogenic variant.

Literature cited by the submitters: PubMed 15863660 (cited by Labcorp Genetics (formerly Invitae), Labcorp); PubMed 21412973 (cited by Labcorp Genetics (formerly Invitae), Labcorp).